The following is an entry in ClinVar:

ClinVar aggregate classification (germline): Uncertain significance (1 of 4 stars; one submission).

Allele frequency attached by ClinVar (database versions not stated): TOPMed 0.00001.

Submission:

Labcorp Genetics (formerly Invitae), Labcorp
Classification: Uncertain significance. Last evaluated: 2022-12-26. Review status: criteria provided, single submitter. Criteria: Invitae Variant Classification Sherloc (09022015). Collection method: clinical testing. Allele origin: germline.
Comment: In summary, the available evidence is currently insufficient to determine the role of this variant in disease. Therefore, it has been classified as a Variant of Uncertain Significance. Variants that disrupt the consensus splice site are a relatively common cause of aberrant splicing (PMID: 17576681, 9536098). Algorithms developed to predict the effect of sequence changes on RNA splicing suggest that this variant is not likely to affect RNA splicing. This variant has not been reported in the literature in individuals affected with CLUAP1-related conditions. This variant is not present in population databases (gnomAD no frequency). This sequence change falls in intron 4 of the CLUAP1 gene. It does not directly change the encoded amino acid sequence of the CLUAP1 protein. It affects a nucleotide within the consensus splice site.

Literature cited by the submitters: PubMed 17576681; PubMed 9536098.

NM_015041.3(CLUAP1):c.399+4A>C

Gene: CLUAP1 (clusterin associated protein 1; plus strand). Cytogenetic location: 16p13.3.
Variant type: single nucleotide variant.
Coding change: c.399+4A>C on transcript NM_015041.3 (MANE Select); 4 bases into the intron after coding-DNA position 399, A replaced by C.
Molecular consequence: intron variant.
Genome position (GRCh38, 1-based): chr16:3,508,472, A>C. VCF-style: chr16-3508472-A-C. GRCh37 (hg19) VCF-style: chr16-3558472-A-C.
Other names: c.399+4A>C (NM_001330454.2).
Identifiers: ClinVar variation 2870343 (VCV002870343.3), dbSNP rs2037552765, ClinGen allele CA2202803037.